The following is an entry in ClinVar:

ClinVar aggregate classification (germline): Uncertain significance. Review status: criteria provided, multiple submitters, no conflicts (2 of 4 stars). 3 submissions from 3 submitters: Uncertain significance (3). Last evaluated 2025-11-09.

Conditions:
Familial cancer of breast. Also called: BREAST CANCER, FAMILIAL; Hereditary breast cancer; hereditary breast carcinoma. Identifiers: Orphanet 227535, MedGen C0346153, MONDO:0016419, OMIM 114480. Disease mechanism: loss of function.
Hereditary cancer-predisposing syndrome. Also called: Neoplastic Syndromes, Hereditary; Tumor predisposition; Hereditary Cancer Syndrome; Hereditary neoplastic syndrome. Identifiers: Orphanet 140162, MedGen C0027672, MeSH D009386, MONDO:0015356.

Submissions (3):

Labcorp Genetics (formerly Invitae), Labcorp
Classification: Uncertain significance for Familial cancer of breast. Last evaluated: 2025-11-09. Review status: criteria provided, single submitter. Criteria: Invitae Variant Classification Sherloc (09022015). Collection method: clinical testing. Allele origin: germline.
Comment: This sequence change replaces asparagine, which is neutral and polar, with aspartic acid, which is acidic and polar, at codon 455 of the BARD1 protein (p.Asn455Asp). This variant is not present in population databases (gnomAD no frequency). This variant has not been reported in the literature in individuals affected with BARD1-related conditions. ClinVar contains an entry for this variant (Variation ID: 921054). An algorithm developed to predict the effect of missense changes on protein structure and function (PolyPhen-2) suggests that this variant is likely to be disruptive. In summary, the available evidence is currently insufficient to determine the role of this variant in disease. Therefore, it has been classified as a Variant of Uncertain Significance.

Ambry Genetics
Classification: Uncertain significance for Hereditary cancer-predisposing syndrome. Last evaluated: 2025-09-04. Review status: criteria provided, single submitter. Criteria: Ambry Variant Classification Scheme 2023. Collection method: clinical testing. Allele origin: germline.
Comment: The p.N455D variant (also known as c.1363A>G), located in coding exon 5 of the BARD1 gene, results from an A to G substitution at nucleotide position 1363. The asparagine at codon 455 is replaced by aspartic acid, an amino acid with highly similar properties. This amino acid position is conserved. In addition, the in silico prediction for this alteration is inconclusive. Based on the available evidence, the clinical significance of this variant remains unclear.

Color Diagnostics, LLC DBA Color Health
Classification: Uncertain significance for Hereditary cancer-predisposing syndrome. Last evaluated: 2023-12-05. Review status: criteria provided, single submitter. Criteria: ACMG Guidelines, 2015. Collection method: clinical testing. Allele origin: germline.
Comment: This missense variant replaces asparagine with aspartic acid at codon 455 of the BARD1 protein. Computational prediction is inconclusive regarding the impact of this variant on protein structure and function (internally defined REVEL score threshold 0.5 < inconclusive < 0.7, PMID: 27666373). To our knowledge, functional studies have not been reported for this variant. This variant has not been reported in individuals affected with BARD1-related disorders in the literature. This variant has not been identified in the general population by the Genome Aggregation Database (gnomAD). The available evidence is insufficient to determine the role of this variant in disease conclusively. Therefore, this variant is classified as a Variant of Uncertain Significance.

NM_000465.4(BARD1):c.1363A>G (p.Asn455Asp)

Gene: BARD1 (BRCA1 associated RING domain 1; minus strand). Cytogenetic location: 2q35.
Variant type: single nucleotide variant.
Coding change: c.1363A>G on transcript NM_000465.4 (MANE Select); coding-DNA position 1363, A replaced by G.
Protein change: p.Asn455Asp; replaces asparagine 455 with aspartic acid.
Molecular consequence: missense variant. On other transcripts: non-coding transcript variant (3), intron variant (3).
Genome position (GRCh38, 1-based): chr2:214,769,264, T>C on the plus strand (A>G on the coding strand, the complement: BARD1 is on the minus strand). VCF-style: chr2-214769264-T-C. GRCh37 (hg19) VCF-style: chr2-215633988-T-C.
Other names: c.1363A>G (NM_000465.2); c.1306A>G, p.Asn436Asp (NM_001282543.2); c.159-16709A>G (NM_001282548.2); c.216-16709A>G (NM_001282545.2); c.364+23033A>G (NM_001282549.2); short protein forms N436D, N455D.
Identifiers: ClinVar variation 921054 (VCV000921054.11), dbSNP rs1694360689, ClinGen allele CA350450283.